The following is an entry in ClinVar:

NM_001040142.2(SCN2A):c.2190T>A (p.Tyr730Ter)

Gene: SCN2A (sodium voltage-gated channel alpha subunit 2; plus strand). Cytogenetic location: 2q24.3.
Variant type: single nucleotide variant.
Coding change: c.2190T>A on transcript NM_001040142.2 (MANE Select); coding-DNA position 2190, T replaced by A.
Protein change: p.Tyr730Ter; replaces tyrosine 730 with a stop codon.
Molecular consequence: nonsense.
Genome position (GRCh38, 1-based): chr2:165,331,370, T>A. VCF-style: chr2-165331370-T-A. GRCh37 (hg19) VCF-style: chr2-166187880-T-A.
Other names: c.2190T>A, p.Tyr730Ter (NM_001040143.2, NM_001371246.1, NM_001371247.1 and 1 more transcripts); short protein forms Y730*.
Identifiers: ClinVar variation 1454390 (VCV001454390.6), dbSNP rs2105293298, ClinGen allele CA349030640.

ClinVar aggregate classification (germline): Pathogenic (1 of 4 stars; one submission).

Conditions:
Seizures, benign familial infantile, 3 (BFIS3). Also called: CONVULSIONS, BENIGN FAMILIAL INFANTILE, 3; Familial neonatal seizures. Identifiers: Orphanet 140927, Orphanet 306, MedGen C1843140, MONDO:0011904, OMIM 607745.
Developmental and epileptic encephalopathy, 11 (DEE11). Also called: Early infantile epileptic encephalopathy 11. Identifiers: Orphanet 1934, MedGen C3150987, MONDO:0013388, OMIM 613721.

Submission:

Labcorp Genetics (formerly Invitae), Labcorp
Classification: Pathogenic for Seizures, benign familial infantile, 3; Developmental and epileptic encephalopathy, 11. Last evaluated: 2020-12-02. Review status: criteria provided, single submitter. Criteria: Invitae Variant Classification Sherloc (09022015). Collection method: clinical testing. Allele origin: germline.
Comment: This sequence change creates a premature translational stop signal (p.Tyr730*) in the SCN2A gene. It is expected to result in an absent or disrupted protein product. Loss-of-function variants in SCN2A are known to be pathogenic (PMID: 28379373). This variant is not present in population databases (ExAC no frequency). For these reasons, this variant has been classified as Pathogenic. This variant has not been reported in the literature in individuals with SCN2A-related conditions.

Literature cited by the submitters: PubMed 28379373.